The following is an entry in ClinVar:

NM_015015.3(KDM4B):c.2085+2del

Gene: KDM4B (lysine demethylase 4B; plus strand). Cytogenetic location: 19p13.3.
Variant type: Deletion.
Coding change: c.2085+2del on transcript NM_015015.3 (MANE Select); the canonical splice donor site of the intron after coding-DNA position 2085, one base deleted (T; older notation c.2085+2delT).
Molecular consequence: splice donor variant.
Genome position (GRCh38, 1-based): chr19:5,134,063, T deleted. VCF-style (leftmost placement, unchanged base first): chr19-5134062-GT-G. GRCh37 (hg19) VCF-style: chr19-5134073-GT-G.
Other names: c.2187+2del (NM_001411148.1); c.2085+2del (NM_015015.2).
Identifiers: ClinVar variation 3777114 (VCV003777114.1).
Genomic context (GRCh38, chr19:5,134,062, plus strand): 5'-GCGGCTGCGCGCACGGAGCCCTACTGCGCCATCTGCACGCTCTTCTACCCCTACTGCCAG[GT>G]GGGCAGGCGGGCCTCACGGGTCCCAGAGAACCCCAGGCAGGGGCGGTGGGAGAGGGCGAG-3'

ClinVar aggregate classification (germline): Likely pathogenic (1 of 4 stars; one submission).

Conditions:
Intellectual developmental disorder, autosomal dominant 65. Also called: MENTAL RETARDATION, AUTOSOMAL DOMINANT 65. Identifiers: MedGen C5543371, MONDO:0023657, OMIM 619320.

Submission:

University of Washington Department of Laboratory Medicine, University of Washington
Classification: Likely pathogenic for Intellectual developmental disorder, autosomal dominant 65. Last evaluated: 2022-11-02. Review status: criteria provided, single submitter. Criteria: ACMG Guidelines, 2015. Collection method: clinical testing. Allele origin: maternal. Affected: yes.
Comment: The c.2085+2del variant in the KDM4B gene has not been previously reported in association with disease. This variant was absent from large population databases, including the Genome Aggregation Database. The c.2085+2del variant alters the exon 14 donor splice site and is predicted to result in abnormal gene splicing. These predictions have not been tested directly. Heterozygous loss of function leading to haploinsufficiency of the KDM4B gene is an established mechanism of disease. Using ACMG guidelines, this variant was classified as likely pathogenic for autosomal dominant KDM4B-related neurodevelopmental disorder (ACMG evidence codes used: PVS1, PM2_supporting).